The following is an entry in ClinVar:

ClinVar aggregate classification (germline): Uncertain significance (1 of 4 stars; one submission).

gnomAD v4.1: 28 of 1,610,890 alleles (0.0017%); highest among the groups gnomAD compares: Non-Finnish European, 0.0023%; no homozygotes.

Submission:

Labcorp Genetics (formerly Invitae), Labcorp
Classification: Uncertain significance. Last evaluated: 2024-02-11. Review status: criteria provided, single submitter. Criteria: Invitae Variant Classification Sherloc (09022015). Collection method: clinical testing. Allele origin: germline.
Comment: This sequence change replaces glycine, which is neutral and non-polar, with serine, which is neutral and polar, at codon 398 of the SLC44A4 protein (p.Gly398Ser). This variant is present in population databases (rs756335610, gnomAD 0.005%). This variant has not been reported in the literature in individuals affected with SLC44A4-related conditions. Algorithms developed to predict the effect of missense changes on protein structure and function output the following: SIFT: "Not Available"; PolyPhen-2: "Benign"; Align-GVGD: "Not Available". The serine amino acid residue is found in multiple mammalian species, which suggests that this missense change does not adversely affect protein function. In summary, the available evidence is currently insufficient to determine the role of this variant in disease. Therefore, it has been classified as a Variant of Uncertain Significance.

NM_025257.3(SLC44A4):c.1192G>A (p.Gly398Ser)

Gene: SLC44A4 (solute carrier family 44 member 4; minus strand). Cytogenetic location: 6p21.33.
Variant type: single nucleotide variant.
Coding change: c.1192G>A on transcript NM_025257.3 (MANE Select); coding-DNA position 1192, G replaced by A.
Protein change: p.Gly398Ser; replaces glycine 398 with serine.
Molecular consequence: missense variant.
Genome position (GRCh38, 1-based): chr6:31,869,196, C>T on the plus strand (G>A on the coding strand, the complement: SLC44A4 is on the minus strand). VCF-style: chr6-31869196-C-T. GRCh37 (hg19) VCF-style: chr6-31836973-C-T.
Other names: c.1066G>A, p.Gly356Ser (NM_001178044.2); c.964G>A, p.Gly322Ser (NM_001178045.2); short protein forms G322S, G356S, G398S.
Identifiers: ClinVar variation 3706926 (VCV003706926.2).